The following is an entry in ClinVar:

NM_001282225.2(ADA2):c.22G>A (p.Glu8Lys)

Gene: ADA2 (adenosine deaminase 2; minus strand). Cytogenetic location: 22q11.1.
Variant type: single nucleotide variant.
Coding change: c.22G>A on transcript NM_001282225.2 (MANE Select); coding-DNA position 22, G replaced by A.
Protein change: p.Glu8Lys; replaces glutamic acid 8 with lysine.
Molecular consequence: missense variant. On other transcripts: intron variant (3).
Genome position (GRCh38, 1-based): chr22:17,209,656, C>T on the plus strand (G>A on the coding strand, the complement: ADA2 is on the minus strand). VCF-style: chr22-17209656-C-T. GRCh37 (hg19) VCF-style: chr22-17690546-C-T.
Other names: c.22G>A, p.Glu8Lys (NM_001282226.2); c.-47-58G>A (NM_001282227.2, NM_001282228.2); c.-38-2366G>A (NM_001282229.2); short protein forms E8K.
Identifiers: ClinVar variation 1429638 (VCV001429638.32), dbSNP rs914839065, ClinGen allele CA321167459.
Genomic context (GRCh38, chr22:17,209,656, plus strand): 5'-GAGCTGAGCCGAAGAAAGACATTGCCACAGCCAACAGCAAGAAGCACAGGGCTGGCCGCT[C>T]AGATGGGCCATCCACCAACATCGGGATGCCTGGACTAGGAAAGGGCTCAGATGGAGACTC-3'
Protein context (NP_001269154.1, residues 1-18): MLVDGPS[Glu8Lys]RPALCFLLLA

ClinVar aggregate classification (germline): Uncertain significance. Review status: criteria provided, multiple submitters, no conflicts (2 of 4 stars). 2 submissions from 2 submitters: Uncertain significance (2). Last evaluated 2023-08-10.

Conditions:
Deficiency of adenosine deaminase 2. Also called: Polyarteritis nodosa, childhoood-onset; Adenosine Deaminase 2 Deficiency; VASCULITIS, AUTOINFLAMMATION, IMMUNODEFICIENCY, AND HEMATOLOGIC DEFECTS SYNDROME. Identifiers: Orphanet 404553, MedGen C3887654, MONDO:0014306, OMIM 615688, MONDO:0100317.

Allele frequency attached by ClinVar (database versions not stated): TOPMed below 0.00001; gnomAD exomes 0.00001.
gnomAD v4.1: 20 of 1,612,932 alleles (0.0012%); highest among the groups gnomAD compares: Non-Finnish European, 0.0014%; no homozygotes.

Submissions (2):

Labcorp Genetics (formerly Invitae), Labcorp
Classification: Uncertain significance for Deficiency of adenosine deaminase 2. Last evaluated: 2023-08-10. Review status: criteria provided, single submitter. Criteria: Invitae Variant Classification Sherloc (09022015). Collection method: clinical testing. Allele origin: germline.
Comment: In summary, the available evidence is currently insufficient to determine the role of this variant in disease. Therefore, it has been classified as a Variant of Uncertain Significance. Algorithms developed to predict the effect of missense changes on protein structure and function output the following: SIFT: "Not Available"; PolyPhen-2: "Benign"; Align-GVGD: "Not Available". The lysine amino acid residue is found in multiple mammalian species, which suggests that this missense change does not adversely affect protein function. ClinVar contains an entry for this variant (Variation ID: 1429638). This variant has not been reported in the literature in individuals affected with ADA2-related conditions. This variant is not present in population databases (gnomAD no frequency). This sequence change replaces glutamic acid, which is acidic and polar, with lysine, which is basic and polar, at codon 8 of the ADA2 protein (p.Glu8Lys).

CeGaT Center for Human Genetics Tuebingen
Classification: Uncertain significance. Last evaluated: 2023-04-01. Review status: criteria provided, single submitter. Criteria: CeGaT Center For Human Genetics Tuebingen Variant Classification Criteria Version 2. Collection method: clinical testing. Allele origin: germline. Affected: yes. Observed: 1 variant allele.
Comment: ADA2: PM2, BP4